The following is an entry in ClinVar:

NM_000478.6(ALPL):c.1021C>T (p.His341Tyr)

Gene: ALPL (alkaline phosphatase, biomineralization associated; plus strand). Cytogenetic location: 1p36.12.
Variant type: single nucleotide variant.
Coding change: c.1021C>T on transcript NM_000478.6 (MANE Select); coding-DNA position 1021, C replaced by T.
Protein change: p.His341Tyr; replaces histidine 341 with tyrosine.
Molecular consequence: missense variant.
Genome position (GRCh38, 1-based): chr1:21,575,756, C>T. VCF-style: chr1-21575756-C-T. GRCh37 (hg19) VCF-style: chr1-21902249-C-T.
Other names: c.856C>T, p.His286Tyr (NM_001127501.4); c.790C>T, p.His264Tyr (NM_001177520.3); c.1021C>T, p.His341Tyr (NM_001369803.2, NM_001369804.2, NM_001369805.2); short protein forms H264Y, H286Y, H341Y.
Identifiers: ClinVar variation 4799867 (VCV004799867.1).

ClinVar aggregate classification (germline): Likely pathogenic (1 of 4 stars; one submission).

Submission:

Labcorp Genetics (formerly Invitae), Labcorp
Classification: Likely pathogenic. Last evaluated: 2025-07-02. Review status: criteria provided, single submitter. Criteria: Invitae Variant Classification Sherloc (09022015). Collection method: clinical testing. Allele origin: germline.
Comment: This sequence change replaces histidine, which is basic and polar, with tyrosine, which is neutral and polar, at codon 341 of the ALPL protein (p.His341Tyr). This variant is not present in population databases (gnomAD no frequency). This variant has not been reported in the literature in individuals affected with ALPL-related conditions. Invitae Evidence Modeling of protein sequence and biophysical properties (such as structural, functional, and spatial information, amino acid conservation, physicochemical variation, residue mobility, and thermodynamic stability) indicates that this missense variant is expected to disrupt ALPL protein function with a positive predictive value of 95%. This variant disrupts the p.His341 amino acid residue in ALPL. Other variant(s) that disrupt this residue have been determined to be pathogenic (PMID: 24276437, 32160374). This suggests that this residue is clinically significant, and that variants that disrupt this residue are likely to be disease-causing. In summary, the currently available evidence indicates that the variant is pathogenic, but additional data are needed to prove that conclusively. Therefore, this variant has been classified as Likely Pathogenic.

Literature cited by the submitters: PubMed 24276437; PubMed 32160374.